The following is an entry in ClinVar:

NM_000182.5(HADHA):c.1600A>T (p.Lys534Ter)

Genes: GAREM2 (GRB2 associated regulator of MAPK1 subtype 2; plus strand), HADHA (hydroxyacyl-CoA dehydrogenase trifunctional multienzyme complex subunit alpha; minus strand). Cytogenetic location: 2p23.3.
Variant type: single nucleotide variant.
Coding change: c.1600A>T on transcript NM_000182.5 (MANE Select); coding-DNA position 1600, A replaced by T.
Protein change: p.Lys534Ter; replaces lysine 534 with a stop codon.
Molecular consequence: nonsense.
Genome position (GRCh38, 1-based): chr2:26,195,112, T>A on the plus strand (A>T on the coding strand, the complement: HADHA is on the minus strand). VCF-style: chr2-26195112-T-A. GRCh37 (hg19) VCF-style: chr2-26417981-T-A.
Other names: short protein forms K534*.
Identifiers: ClinVar variation 4817870 (VCV004817870.1).
Genomic context (GRCh38, chr2:26,195,112, plus strand): 5'-CTTTTCAAAAACTCTGCAGCTCTGTTATACAGCCCCTTACCTTAACCACAATGATGACCT[T>A]CCCCTGCTTGAGACCAACTGCTACAGCTGAAGCACTGGTGTCTTTGGAAGTTTTCTCGGT-3'

ClinVar aggregate classification (germline): Likely pathogenic (1 of 4 stars; one submission).

Conditions:
Long chain 3-hydroxyacyl-CoA dehydrogenase deficiency. Also called: Deficiency of long-chain 3-hydroxyacyl-coenzyme A dehydrogenase; LCHAD Deficiency. Identifiers: Orphanet 5, MedGen C3711645, MONDO:0012173, OMIM 609016.

Submission:

Natera, Inc.
Classification: Likely pathogenic for Deficiency of long-chain 3-hydroxyacyl-coenzyme A dehydrogenase. Last evaluated: 2024-03-15. Review status: criteria provided, single submitter. Criteria: Natera Variant Classification Schema (03/2026). Collection method: clinical testing. Allele origin: germline.
Comment: The c.1600A>T variant in HADHA is a nonsense variant predicted to introduce a stop codon at amino acid 534. This variant is expected to result in nonsense mediated decay, truncation, or a dysfunctional protein product. This variant is rare in the general population with a frequency below the threshold expected for the associated phenotype(s). Given the available evidence, this variant is classified as Likely Pathogenic.